The following is an entry in ClinVar:

ClinVar aggregate classification (germline): Uncertain significance (1 of 4 stars; one submission).

gnomAD v4.1: 2 of 1,612,984 alleles (0.00012%); highest among the groups gnomAD compares: South Asian, 0.0022%; no homozygotes.

Submission:

GeneDx
Classification: Uncertain significance. Last evaluated: 2024-02-08. Review status: criteria provided, single submitter. Criteria: GeneDx Variant Classification Process June 2021. Collection method: clinical testing. Allele origin: germline. Affected: yes.
Comment: Not observed at significant frequency in large population cohorts (gnomAD); In silico analysis supports that this missense variant does not alter protein structure/function; Has not been previously published as pathogenic or benign to our knowledge

NM_005245.4(FAT1):c.10387G>A (p.Val3463Ile)

Gene: FAT1 (FAT atypical cadherin 1; minus strand). Cytogenetic location: 4q35.2.
Variant type: single nucleotide variant.
Coding change: c.10387G>A on transcript NM_005245.4 (MANE Select); coding-DNA position 10387, G replaced by A.
Protein change: p.Val3463Ile; replaces valine 3463 with isoleucine.
Molecular consequence: missense variant.
Genome position (GRCh38, 1-based): chr4:186,604,538, C>T on the plus strand (G>A on the coding strand, the complement: FAT1 is on the minus strand). VCF-style: chr4-186604538-C-T. GRCh37 (hg19) VCF-style: chr4-187525692-C-T.
Other names: short protein forms V3463I.
Identifiers: ClinVar variation 3368816 (VCV003368816.1).